The following is an entry in ClinVar:

NM_001082486.2(ACD):c.1283G>A (p.Arg428Gln)

Gene: ACD (ACD shelterin complex subunit and telomerase recruitment factor; minus strand). Cytogenetic location: 16q22.1.
Variant type: single nucleotide variant.
Coding change: c.1283G>A on transcript NM_001082486.2 (MANE Select); coding-DNA position 1283, G replaced by A.
Protein change: p.Arg428Gln; replaces arginine 428 with glutamine.
Molecular consequence: missense variant.
Genome position (GRCh38, 1-based): chr16:67,657,777, C>T on the plus strand (G>A on the coding strand, the complement: ACD is on the minus strand). VCF-style: chr16-67657777-C-T. GRCh37 (hg19) VCF-style: chr16-67691680-C-T.
Other names: c.1274G>A, p.Arg425Gln (NM_022914.3); short protein forms R425Q, R428Q.
Identifiers: ClinVar variation 1381050 (VCV001381050.9), dbSNP rs1397584716, ClinGen allele CA396349828.
Genomic context (GRCh38, chr16:67,657,777, plus strand): 5'-GCCTGGGACTAGTGACCAAGAGTTGGGGCAGACCCAGGCACTCACCTGACAGCTTGGACC[C>T]GAGCACAGAGGGACGTGCAGGGTGGCTCATACTCATACTGGAAGGCAGAACCATCACGAT-3'
Protein context (NP_001075955.2, residues 418-438): YEPPCTSLCA[Arg428Gln]VQAVRLPPQL

ClinVar aggregate classification (germline): Conflicting classifications of pathogenicity. Review status: criteria provided, conflicting classifications (1 of 4 stars). 2 submissions from 2 submitters: Uncertain significance (1); Likely benign (1). Last evaluated 2025-10-25.

Conditions:
Dyskeratosis congenita, autosomal dominant 6 (DKCA6). Identifiers: Orphanet 3322, MedGen C4225284, MONDO:0014690, OMIM 616553.
Inborn genetic diseases. Identifiers: MedGen C0950123, MeSH D030342.

Allele frequency attached by ClinVar (database versions not stated): gnomAD exomes below 0.00001 and 0.00002; TOPMed below 0.00001; gnomAD 0.00001 and 0.00003.

Submissions (2):

Labcorp Genetics (formerly Invitae), Labcorp
Classification: Uncertain significance for Dyskeratosis congenita, autosomal dominant 6. Last evaluated: 2025-10-25. Review status: criteria provided, single submitter. Criteria: Invitae Variant Classification Sherloc (09022015). Collection method: clinical testing. Allele origin: germline.
Comment: This sequence change replaces arginine, which is basic and polar, with glutamine, which is neutral and polar, at codon 514 of the ACD protein (p.Arg514Gln). This variant is present in population databases (no rsID available, gnomAD 0.003%). This variant has not been reported in the literature in individuals affected with ACD-related conditions. ClinVar contains an entry for this variant (Variation ID: 1381050). Invitae Evidence Modeling of protein sequence and biophysical properties (such as structural, functional, and spatial information, amino acid conservation, physicochemical variation, residue mobility, and thermodynamic stability) indicates that this missense variant is not expected to disrupt ACD protein function with a negative predictive value of 80%. In summary, the available evidence is currently insufficient to determine the role of this variant in disease. Therefore, it has been classified as a Variant of Uncertain Significance.

Ambry Genetics
Classification: Likely benign for Inborn genetic diseases. Last evaluated: 2025-08-08. Review status: criteria provided, single submitter. Criteria: Ambry Variant Classification Scheme 2023. Collection method: clinical testing. Allele origin: germline.